The following is an entry in ClinVar:

NC_000008.11:g.(?_99134631)_(99511512_?)dup

Gene: VPS13B (vacuolar protein sorting 13 homolog B; plus strand). Cytogenetic location: 8q22.2.
Variant type: Duplication.
Identifiers: ClinVar variation 831712 (VCV000831712.5).

ClinVar aggregate classification (germline): Likely pathogenic (1 of 4 stars; one submission).

Conditions:
Cohen syndrome (COH1). Also called: Cutis verticis gyrata, retinitis pigmentosa, and sensorineural deafness; PEPPER SYNDROME. Identifiers: Orphanet 193, MedGen C0265223, MONDO:0008999, OMIM 216550.

Submission:

Labcorp Genetics (formerly Invitae), Labcorp
Classification: Likely pathogenic for Cohen syndrome. Last evaluated: 2019-12-24. Review status: criteria provided, single submitter. Criteria: Invitae Variant Classification Sherloc (09022015). Collection method: clinical testing. Allele origin: germline.
Comment: In summary, the currently available evidence indicates that the variant is pathogenic, but additional data are needed to prove that conclusively. Therefore, this variant has been classified as Likely Pathogenic. Loss-of-function variants in VPS13B are known to be pathogenic (PMID: 15141358, 16648375, 20461111). This variant has not been reported in the literature in individuals with VPS13B-related conditions. This variant results in a copy number gain of the genomic region encompassing exons 9-29 of the VPS13B gene. While the exact position of this variant cannot be determined from this data, sub-genic copy number gains are generally in tandem (PMID: 25640679) and may result in an absent or disrupted protein product.

Literature cited by the submitters: PubMed 15141358; PubMed 16648375; PubMed 20461111; PubMed 25640679.